The following is an entry in ClinVar:

ClinVar aggregate classification (germline): Uncertain significance (1 of 4 stars; one submission).

Submission:

Dasa
Classification: Uncertain significance. Last evaluated: 2025-10-13. Review status: criteria provided, single submitter. Criteria: DASA Assertion Criteria. Collection method: clinical testing. Allele origin: germline.
Comment: NM_001042492.3(NF1):c.557A>G (p.Asp186Gly) is a missense variant that results in the substitution of aspartic acid with glycine. The affected residue or protein region has prior evidence supporting clinical relevance. This variant is absent from population databases. Computational prediction algorithms are consistent with a deleterious effect. The currently available literature and clinical evidence are not sufficient to establish a definitive association between this variant and the reported condition. Therefore, this variant is classified as a variant of uncertain significance.

NM_001042492.3(NF1):c.557A>G (p.Asp186Gly)

Gene: NF1 (neurofibromin 1; plus strand). Cytogenetic location: 17q11.2.
Variant type: single nucleotide variant.
Coding change: c.557A>G on transcript NM_001042492.3 (MANE Select); coding-DNA position 557, A replaced by G.
Protein change: p.Asp186Gly; replaces aspartic acid 186 with glycine.
Molecular consequence: missense variant.
Genome position (GRCh38, 1-based): chr17:31,169,968, A>G. VCF-style: chr17-31169968-A-G. GRCh37 (hg19) VCF-style: chr17-29496986-A-G.
Other names: c.557A>G, p.Asp186Gly (NM_000267.4, NM_001128147.3); short protein forms D186G.
Identifiers: ClinVar variation 4886010 (VCV004886010.2).
Genomic context (GRCh38, chr17:31,169,968, plus strand): 5'-TTTGTTCAGAAGACAATGTTGATGTTCATGATATAGAATTGTTACAGTATATCAATGTGG[A>G]TTGTGCAAAATTAAAACGACTCCTGAAGGGTAAGTTTAAATGTATAATATATCTGAAAAA-3'
Protein context (NP_001035957.1, residues 176-196): DIELLQYINV[Asp186Gly]CAKLKRLLKE